The following is an entry in ClinVar:

ClinVar aggregate classification (germline): Likely benign (1 of 4 stars; one submission).

Allele frequency attached by ClinVar (database versions not stated): ExAC 0.00032; 1000 Genomes Project 30x 0.00062; 1000 Genomes Project 0.00080; ESP Exome Variant Server 0.00081; gnomAD 0.00084; TOPMed 0.00100.

Submission:

CeGaT Center for Human Genetics Tuebingen
Classification: Likely benign. Last evaluated: 2022-10-01. Review status: criteria provided, single submitter. Criteria: CeGaT Center For Human Genetics Tuebingen Variant Classification Criteria Version 2. Collection method: clinical testing. Allele origin: germline. Affected: yes. Observed: 1 variant allele.
Comment: TMEM270: BP4, BP7

NM_182504.4(TMEM270):c.747G>A (p.Ser249=)

Gene: TMEM270 (transmembrane protein 270; plus strand). Cytogenetic location: 7q11.23.
Variant type: single nucleotide variant.
Coding change: c.747G>A on transcript NM_182504.4 (MANE Select); coding-DNA position 747, G replaced by A.
Protein change: p.Ser249=; no amino-acid change (serine 249 retained).
Molecular consequence: synonymous variant.
Genome position (GRCh38, 1-based): chr7:73,865,822, G>A. VCF-style: chr7-73865822-G-A. GRCh37 (hg19) VCF-style: chr7-73280152-G-A.
Identifiers: ClinVar variation 2657574 (VCV002657574.24), dbSNP rs200742383, ClinGen allele CA4292171.
Genomic context (GRCh38, chr7:73,865,822, plus strand): 5'-GGAGGTTGAACCCCAGGAGGTCTCAGGGTCTTCCTTGCTGCCCTCACTGTCTGCGTCCTC[G>A]GACTCAGAGTCTGGAACAGTTTTGCCAGAGCAAGAAACTCCCAGAGAATAAATGTATCCC-3'
Protein context (NP_872310.2, residues 239-259): SSLLPSLSAS[Ser249=]DSESGTVLPE